The following is an entry in ClinVar:

ClinVar aggregate classification (germline): Uncertain significance (1 of 4 stars; one submission).

Submission:

Ambry Genetics
Classification: Uncertain significance. Last evaluated: 2024-08-12. Review status: criteria provided, single submitter. Criteria: Ambry Variant Classification Scheme 2023. Collection method: clinical testing. Allele origin: germline.
Comment: The p.S2050P variant (also known as c.6148T>C), located in coding exon 19 of the POLQ gene, results from a T to C substitution at nucleotide position 6148. The serine at codon 2050 is replaced by proline, an amino acid with similar properties. This amino acid position is conserved. In addition, the in silico prediction for this alteration is inconclusive. Based on the available evidence, the clinical significance of this variant remains unclear.

NM_199420.4(POLQ):c.6148T>C (p.Ser2050Pro)

Gene: POLQ (DNA polymerase theta; minus strand). Cytogenetic location: 3q13.33.
Variant type: single nucleotide variant.
Coding change: c.6148T>C on transcript NM_199420.4 (MANE Select); coding-DNA position 6148, T replaced by C.
Protein change: p.Ser2050Pro; replaces serine 2050 with proline.
Molecular consequence: missense variant.
Genome position (GRCh38, 1-based): chr3:121,481,635, A>G on the plus strand (T>C on the coding strand, the complement: POLQ is on the minus strand). VCF-style: chr3-121481635-A-G. GRCh37 (hg19) VCF-style: chr3-121200482-A-G.
Other names: short protein forms S2050P.
Identifiers: ClinVar variation 3422356 (VCV003422356.1).